The following is an entry in ClinVar:

ClinVar aggregate classification (germline): Likely benign. Review status: criteria provided, multiple submitters, no conflicts (2 of 4 stars). 4 submissions from 4 submitters: Likely benign (3). 1 of the submissions does not count toward it. Last evaluated 2026-05-01.

Conditions:
FLNB-related disorder. Also called: FLNB-related disorders; FLNB-related condition. Identifiers: MedGen CN381095.

Allele frequency attached by ClinVar (database versions not stated): gnomAD exomes 0.00006 and 0.00009; ExAC 0.00009; gnomAD 0.00009 and 0.00010; TOPMed 0.00014.
gnomAD v4.1: 95 of 1,612,574 alleles (0.0059%); highest among the groups gnomAD compares: Middle Eastern, 0.016%; no homozygotes.

Submissions (4):

CeGaT Center for Human Genetics Tuebingen
Classification: Likely benign. Last evaluated: 2026-05-01. Review status: criteria provided, single submitter. Criteria: CeGaT Center For Human Genetics Tuebingen Variant Classification Criteria Version 2. Collection method: clinical testing. Allele origin: germline. Affected: yes. Observed: 2 variant alleles.
Comment: FLNB: BP4, BP7

Labcorp Genetics (formerly Invitae), Labcorp
Classification: Likely benign. Last evaluated: 2025-12-08. Review status: criteria provided, single submitter. Criteria: Invitae Variant Classification Sherloc (09022015). Collection method: clinical testing. Allele origin: germline.

Blueprint Genetics
Classification: Likely benign. Last evaluated: 2024-08-12. Review status: criteria provided, single submitter. Criteria: ACMG Guidelines, 2015. Collection method: clinical testing. Allele origin: germline.

PreventionGenetics, part of Exact Sciences
Classification: Likely benign for FLNB-related condition. Last evaluated: 2019-04-08. Review status: no assertion criteria provided. Collection method: clinical testing. Allele origin: germline. Not counted in ClinVar's aggregate classification.
Comment: This variant is classified as likely benign based on ACMG/AMP sequence variant interpretation guidelines (Richards et al. 2015 PMID: 25741868, with internal and published modifications).

NM_001457.4(FLNB):c.3651C>T (p.Pro1217=)

Gene: FLNB (filamin B; plus strand). Cytogenetic location: 3p14.3.
Variant type: single nucleotide variant.
Coding change: c.3651C>T on transcript NM_001457.4 (MANE Select); coding-DNA position 3651, C replaced by T.
Protein change: p.Pro1217=; no amino-acid change (proline 1217 retained).
Molecular consequence: synonymous variant.
Genome position (GRCh38, 1-based): chr3:58,123,617, C>T. VCF-style: chr3-58123617-C-T. GRCh37 (hg19) VCF-style: chr3-58109344-C-T.
Other names: c.3651C>T, p.Pro1217= (NM_001164317.2, NM_001164318.2, NM_001164319.2).
Identifiers: ClinVar variation 718848 (VCV000718848.25), dbSNP rs771276246, ClinGen allele CA2468467.